The following is an entry in ClinVar:

NM_006258.4(PRKG1):c.407C>T (p.Pro136Leu)

Gene: PRKG1 (protein kinase cGMP-dependent 1; plus strand). Cytogenetic location: 10q21.1.
Variant type: single nucleotide variant.
Coding change: c.407C>T on transcript NM_006258.4 (MANE Select); coding-DNA position 407, C replaced by T.
Protein change: p.Pro136Leu; replaces proline 136 with leucine.
Molecular consequence: missense variant.
Genome position (GRCh38, 1-based): chr10:51,153,259, C>T. VCF-style: chr10-51153259-C-T. GRCh37 (hg19) VCF-style: chr10-52913019-C-T.
Other names: c.362C>T, p.Pro121Leu (NM_001098512.3, LRG_1135t2); c.407C>T, p.Pro136Leu (LRG_1135t1); short protein forms P121L, P136L.
Identifiers: ClinVar variation 576784 (VCV000576784.9), dbSNP rs1157867791, ClinGen allele CA376827504.
Genomic context (GRCh38, chr10:51,153,259, plus strand): 5'-ATGACTTTATGAAGAACTTGGAGCTGTCGCAGATCCAGGAGATTGTGGATTGTATGTACC[C>T]GGTGGAGTATGGCAAGGACAGTTGCATCATCAAAGAAGGAGACGTGGGGTCACTGGTGTA-3'
Protein context (NP_006249.1, residues 126-146): QIQEIVDCMY[Pro136Leu]VEYGKDSCII

ClinVar aggregate classification (germline): Uncertain significance. Review status: criteria provided, multiple submitters, no conflicts (2 of 4 stars). 2 submissions from 2 submitters: Uncertain significance (2). Last evaluated 2026-03-02.

Conditions:
Familial thoracic aortic aneurysm and aortic dissection (TAAD). Also called: Thoracic aortic aneurysms and dissections. Identifiers: Orphanet 91387, MedGen C4707243, MONDO:0019625.
Aortic aneurysm, familial thoracic 8 (AAT8). Identifiers: MedGen C3809513, MONDO:0014187, OMIM 615436.

Allele frequency attached by ClinVar (database versions not stated): gnomAD exomes below 0.00001; TOPMed below 0.00001.
gnomAD v4.1: 7 of 1,612,330 alleles (0.00043%); highest among the groups gnomAD compares: East Asian, 0.0022%; no homozygotes.

Submissions (2):

Ambry Genetics
Classification: Uncertain significance for Familial thoracic aortic aneurysm and aortic dissection. Last evaluated: 2026-03-02. Review status: criteria provided, single submitter. Criteria: Ambry Variant Classification Scheme 2023. Collection method: clinical testing. Allele origin: germline.

Labcorp Genetics (formerly Invitae), Labcorp
Classification: Uncertain significance for Aortic aneurysm, familial thoracic 8. Last evaluated: 2023-07-14. Review status: criteria provided, single submitter. Criteria: Invitae Variant Classification Sherloc (09022015). Collection method: clinical testing. Allele origin: germline.
Comment: In summary, the available evidence is currently insufficient to determine the role of this variant in disease. Therefore, it has been classified as a Variant of Uncertain Significance. An algorithm developed to predict the effect of missense changes on protein structure and function (PolyPhen-2) suggests that this variant¬†is likely to be tolerated. ClinVar contains an entry for this variant (Variation ID: 576784). This variant has not been reported in the literature in individuals affected with PRKG1-related conditions. This variant is not present in population databases (gnomAD no frequency). This sequence change replaces proline, which is neutral and non-polar, with leucine, which is neutral and non-polar, at codon 136 of the PRKG1 protein (p.Pro136Leu).